The following is an entry in ClinVar:

ClinVar aggregate classification (germline): Pathogenic (1 of 4 stars; one submission).

Conditions:
X-linked intellectual disability Cabezas type (MRXSC). Also called: Intellectual developmental disorder, X-linked syndromic, Cabezas type; CABEZAS SYNDROME; MENTAL RETARDATION, X-LINKED, SYNDROMIC 15. Identifiers: Orphanet 85289, Orphanet 85293, MedGen C1845861, MONDO:0010306, OMIM 300354.

Submission:

Labcorp Genetics (formerly Invitae), Labcorp
Classification: Pathogenic for X-linked intellectual disability Cabezas type. Last evaluated: 2023-12-18. Review status: criteria provided, single submitter. Criteria: Invitae Variant Classification Sherloc (09022015). Collection method: clinical testing. Allele origin: germline.
Comment: This sequence change creates a premature translational stop signal (p.Glu137*) in the CUL4B gene. It is expected to result in an absent or disrupted protein product. Loss-of-function variants in CUL4B are known to be pathogenic (PMID: 17236139, 25385192). This variant is not present in population databases (gnomAD no frequency). This variant has not been reported in the literature in individuals affected with CUL4B-related conditions. For these reasons, this variant has been classified as Pathogenic.

Literature cited by the submitters: PubMed 17236139; PubMed 25385192.

NM_001079872.2(CUL4B):c.355G>T (p.Glu119Ter)

Genes: CUL4B (cullin 4B; minus strand), LOC113845788 (Sharpr-MPRA regulatory region 11856; plus strand). Cytogenetic location: Xq24.
Variant type: single nucleotide variant.
Coding change: c.355G>T on transcript NM_001079872.2 (MANE Select); coding-DNA position 355, G replaced by T.
Protein change: p.Glu119Ter; replaces glutamic acid 119 with a stop codon.
Molecular consequence: nonsense.
Genome position (GRCh38, 1-based): chrX:120,560,284, C>A on the plus strand (G>T on the coding strand, the complement: CUL4B is on the minus strand). VCF-style: chrX-120560284-C-A. GRCh37 (hg19) VCF-style: chrX-119694139-C-A.
Other names: c.370G>T, p.Glu124Ter (NM_001330624.2); c.409G>T, p.Glu137Ter (NM_003588.4); short protein forms E119*, E137*, E124*.
Identifiers: ClinVar variation 2702101 (VCV002702101.3), dbSNP rs2521198629, ClinGen allele CA414205329.